The following is an entry in ClinVar:

ClinVar aggregate classification (germline): Uncertain significance (1 of 4 stars; one submission).

Allele frequency attached by ClinVar (database versions not stated): gnomAD 0.00019 and 0.00021; gnomAD exomes 0.00019; TOPMed 0.00023; ExAC 0.00026; ESP Exome Variant Server 0.00046.

Submission:

Labcorp Genetics (formerly Invitae), Labcorp
Classification: Uncertain significance. Last evaluated: 2025-08-04. Review status: criteria provided, single submitter. Criteria: Invitae Variant Classification Sherloc (09022015). Collection method: clinical testing. Allele origin: germline.
Comment: This sequence change replaces valine, which is neutral and non-polar, with methionine, which is neutral and non-polar, at codon 122 of the CRAT protein (p.Val122Met). This variant is present in population databases (rs141699474, gnomAD 0.04%). This variant has not been reported in the literature in individuals affected with CRAT-related conditions. ClinVar contains an entry for this variant (Variation ID: 1367745). Invitae Evidence Modeling of protein sequence and biophysical properties (such as structural, functional, and spatial information, amino acid conservation, physicochemical variation, residue mobility, and thermodynamic stability) indicates that this missense variant is not expected to disrupt CRAT protein function with a negative predictive value of 80%. In summary, the available evidence is currently insufficient to determine the role of this variant in disease. Therefore, it has been classified as a Variant of Uncertain Significance.

NM_000755.5(CRAT):c.364G>A (p.Val122Met)

Gene: CRAT (carnitine O-acetyltransferase; minus strand). Cytogenetic location: 9q34.11.
Variant type: single nucleotide variant.
Coding change: c.364G>A on transcript NM_000755.5 (MANE Select); coding-DNA position 364, G replaced by A.
Protein change: p.Val122Met; replaces valine 122 with methionine.
Molecular consequence: missense variant.
Genome position (GRCh38, 1-based): chr9:129,104,234, C>T on the plus strand (G>A on the coding strand, the complement: CRAT is on the minus strand). VCF-style: chr9-129104234-C-T. GRCh37 (hg19) VCF-style: chr9-131866513-C-T.
Other names: c.301G>A, p.Val101Met (NM_001257363.3, NM_001346548.2, NM_004003.4); c.367G>A, p.Val123Met (NM_001346546.2); c.364G>A, p.Val122Met (NM_001346547.2); c.244G>A, p.Val82Met (NM_001346549.2); short protein forms V101M, V82M, V123M, V122M.
Identifiers: ClinVar variation 1367745 (VCV001367745.6), dbSNP rs141699474, ClinGen allele CA5275789.
Genomic context (GRCh38, chr9:129,104,234, plus strand): 5'-CCCCAGCCACTCACCGGAGCTGACCCTGCAGGTCCACGAAGTCCTGCTTGGGTAGCATCA[C>T]GCCTGGGCTCGAGTAGATGACCACAGGCTGGCGGTACTGGAGGTAGGCGGTCTTGAGCCA-3'
Protein context (NP_000746.3, residues 112-132): QPVVIYSSPG[Val122Met]MLPKQDFVDL